The following is an entry in ClinVar:

NM_025000.4(DCAF17):c.95A>C (p.Asn32Thr)

Genes: DCAF17 (DDB1 and CUL4 associated factor 17; plus strand), METTL8 (methyltransferase 8, tRNA N3-cytidine; minus strand). Cytogenetic location: 2q31.1.
Variant type: single nucleotide variant.
Coding change: c.95A>C on transcript NM_025000.4 (MANE Select); coding-DNA position 95, A replaced by C.
Protein change: p.Asn32Thr; replaces asparagine 32 with threonine.
Molecular consequence: missense variant. On other transcripts: non-coding transcript variant (1), splice donor variant (4).
Genome position (GRCh38, 1-based): chr2:171,434,672, A>C. VCF-style: chr2-171434672-A-C. GRCh37 (hg19) VCF-style: chr2-172291182-A-C.
Other names: c.95A>C, p.Asn32Thr (NM_001164821.2); c.8+2T>G (NM_001321161.2, NM_001321158.2, NM_001321157.2); c.-13+2T>G (NM_024770.5); short protein forms N32T.
Identifiers: ClinVar variation 698382 (VCV000698382.20), dbSNP rs748586810, ClinGen allele CA1964543.

ClinVar aggregate classification (germline): Conflicting classifications of pathogenicity. Review status: criteria provided, conflicting classifications (1 of 4 stars). 4 submissions from 4 submitters: Uncertain significance (3); Likely benign (1). Last evaluated 2026-09-30.

Conditions:
Woodhouse-Sakati syndrome. Also called: Hypogonadism, Alopecia, Diabetes Mellitus, Mental Retardation, and Extrapyramidal Syndrome; Hypogonadism, diabetes mellitus, alopecia, mental retardation and electrocardiographic abnormalities; EXTRAPYRAMIDAL DISORDER, PROGRESSIVE, WITH PRIMARY HYPOGONADISM, MENTAL RETARDATION, AND ALOPECIA. Identifiers: Orphanet 3464, MedGen C0342286, MONDO:0009419, OMIM 241080.

Allele frequency attached by ClinVar (database versions not stated): ExAC 0.00056; TOPMed 0.00008.
gnomAD v4.1: 117 of 1,511,968 alleles (0.0077%); highest among the groups gnomAD compares: Middle Eastern, 0.02%; no homozygotes.

Submissions (6):

GeneDx
Classification: Uncertain significance. Last evaluated: 2026-09-30. Review status: criteria provided, single submitter. Criteria: GeneDx Variant Classification Process June 2021. Collection method: clinical testing. Allele origin: germline.
Comment: In silico analysis supports that this missense variant has a deleterious effect on protein structure/function; Has not been previously published as pathogenic or benign in association with neurodevelopmental disorder to our knowledge; This variant is associated with the following publications: (PMID: 31275557)

Labcorp Genetics (formerly Invitae), Labcorp
Classification: Likely benign for Woodhouse-Sakati syndrome. Last evaluated: 2026-01-19. Review status: criteria provided, single submitter. Criteria: Invitae Variant Classification Sherloc (09022015). Collection method: clinical testing. Allele origin: germline.

Blueprint Genetics
Classification: Uncertain significance. Last evaluated: 2024-10-18. Review status: criteria provided, single submitter. Criteria: ACMG Guidelines, 2015. Collection method: clinical testing. Allele origin: germline.

Illumina Laboratory Services, Illumina
Classification: Uncertain significance for Woodhouse-Sakati syndrome. Last evaluated: 2018-01-13. Review status: criteria provided, single submitter. Criteria: ICSL Variant Classification Criteria 13 December 2019. Collection method: clinical testing. Allele origin: germline.

Dr. Peter K. Rogan Lab, Western University
No classification provided (evidence only). Condition: Sarcoma. Review status: no classification provided. Collection method: in vitro. Allele origin: not applicable. Functional consequence: retained intron. Not counted in ClinVar's aggregate classification.

Dr. Peter K. Rogan Lab, Western University
No classification provided (evidence only). Condition: Nonpapillary renal cell carcinoma. Review status: no classification provided. Collection method: in vitro. Allele origin: not applicable. Functional consequence: retained intron. Not counted in ClinVar's aggregate classification.